The following is an entry in ClinVar:

ClinVar aggregate classification (germline): Conflicting classifications of pathogenicity. Review status: criteria provided, conflicting classifications (1 of 4 stars). 12 submissions from 12 submitters: Uncertain significance (9); Likely benign (2). 1 of the submissions does not count toward it. Last evaluated 2026-03-07.

Conditions:
BMPR1A-related disorder. Also called: BMPR1A-related condition.
Juvenile polyposis syndrome (JPS). Identifiers: Orphanet 2929, MedGen C0345893, MONDO:0017380, OMIM 174900.
Hereditary cancer-predisposing syndrome. Also called: Neoplastic Syndromes, Hereditary; Tumor predisposition; Hereditary Cancer Syndrome; Hereditary neoplastic syndrome. Identifiers: Orphanet 140162, MedGen C0027672, MeSH D009386, MONDO:0015356.

Allele frequency attached by ClinVar (database versions not stated): gnomAD 0.00001; gnomAD exomes 0.00001 and 0.00002; ExAC 0.00002; TOPMed 0.00003.
gnomAD v4.1: 17 of 1,609,972 alleles (0.0011%); highest among the groups gnomAD compares: Admixed American, 0.012%; no homozygotes.

Submissions (12):

PreventionGenetics, part of Exact Sciences
Classification: Uncertain significance for BMPR1A-related condition. Last evaluated: 2026-03-07. Review status: criteria provided, single submitter. Criteria: ACMG Guidelines, 2015. Collection method: clinical testing. Allele origin: germline.
Comment: The BMPR1A c.59G>A variant is predicted to result in the amino acid substitution p.Arg20His. This variant was reported in an individual with biliary tract cancer (Okawa et al. 2023. PubMed ID: 36243179). This variant is reported in 0.017% of alleles in individuals of Latino descent in gnomAD and has conflicting interpretations in ClinVar ranging from likely benign to uncertain (Variation ID: 220321). Although we suspect that this variant may be benign, at this time, the clinical significance of this variant is uncertain due to the absence of conclusive functional and genetic evidence.

Labcorp Genetics (formerly Invitae), Labcorp
Classification: Uncertain significance for Juvenile polyposis syndrome. Last evaluated: 2026-01-14. Review status: criteria provided, single submitter. Criteria: Invitae Variant Classification Sherloc (09022015). Collection method: clinical testing. Allele origin: germline.
Comment: This sequence change replaces arginine, which is basic and polar, with histidine, which is basic and polar, at codon 20 of the BMPR1A protein (p.Arg20His). This variant is present in population databases (rs759014147, gnomAD 0.02%). This variant has not been reported in the literature in individuals affected with BMPR1A-related conditions. ClinVar contains an entry for this variant (Variation ID: 220321). Invitae Evidence Modeling incorporating data from in vitro experimental studies (internal data) indicates that this missense variant is not expected to disrupt BMPR1A function with a negative predictive value of 95%. In summary, the available evidence is currently insufficient to determine the role of this variant in disease. Therefore, it has been classified as a Variant of Uncertain Significance.

Dasa
Classification: Uncertain significance. Last evaluated: 2025-07-07. Review status: criteria provided, single submitter. Criteria: DASA Assertion Criteria. Collection method: clinical testing. Allele origin: germline.
Comment: NM_004329.3(BMPR1A):c.59G>A (p.Arg20His) is a missense variant that results in the substitution of arginine with histidine. This variant is rare in population databases. Computational prediction algorithms are consistent with a benign effect. The currently available literature and clinical evidence are not sufficient to establish a definitive association between this variant and the reported condition. Therefore, this variant is classified as a variant of uncertain significance.

GeneDx
Classification: Uncertain significance. Last evaluated: 2025-05-20. Review status: criteria provided, single submitter. Criteria: GeneDx Variant Classification Process June 2021. Collection method: clinical testing. Allele origin: germline.
Comment: In silico analysis suggests that this missense variant does not alter protein structure/function; Observed only in controls in a case-control study of biliary tract cancer (PMID: 36243179); This variant is associated with the following publications: (PMID: 28481359, 36243179)

Color Diagnostics, LLC DBA Color Health
Classification: Uncertain significance for Hereditary cancer-predisposing syndrome. Last evaluated: 2025-04-07. Review status: criteria provided, single submitter. Criteria: ACMG Guidelines, 2015. Collection method: clinical testing. Allele origin: germline.
Comment: This missense variant replaces arginine with histidine at codon 20 of the BMPR1A protein. Computational prediction suggests that this variant may not impact protein structure and function. To our knowledge, functional studies have not been reported for this variant. This variant has not been reported in individuals affected with BMPR1A-related disorders in the literature. This variant has been identified in 6/251288 chromosomes in the general population by the Genome Aggregation Database (gnomAD). The available evidence is insufficient to determine the role of this variant in disease conclusively. Therefore, this variant is classified as a Variant of Uncertain Significance.

Women's Health and Genetics/Laboratory Corporation of America, LabCorp
Classification: Uncertain significance. Last evaluated: 2025-02-02. Review status: criteria provided, single submitter. Criteria: LabCorp Variant Classification Summary - May 2015. Collection method: clinical testing. Allele origin: germline.
Comment: Variant summary: BMPR1A c.59G>A (p.Arg20His) results in a non-conservative amino acid change in the encoded protein sequence. Four of five in-silico tools predict a benign effect of the variant on protein function. The variant allele was found at a frequency of 2.4e-05 in 251288 control chromosomes. The available data on variant occurrences in the general population are insufficient to allow any conclusion about variant significance. The following publication has been ascertained in the context of this evaluation (PMID: 36243179). ClinVar contains an entry for this variant (Variation ID: 220321). Based on the evidence outlined above, the variant was classified as uncertain significance.

All of Us Research Program, National Institutes of Health
Classification: Uncertain significance for Juvenile polyposis syndrome. Last evaluated: 2024-03-24. Review status: criteria provided, single submitter. Criteria: ACMG Guidelines, 2015. Collection method: clinical testing. Allele origin: germline. Inheritance: Autosomal dominant inheritance. Observed: 8 variant alleles, 8 heterozygotes.
Comment: This missense variant replaces arginine with histidine at codon 20 of the BMPR1A protein. Computational prediction suggests that this variant may not impact protein structure and function (internally defined REVEL score threshold <= 0.5, PMID: 27666373). The arginine residue is poorly conserved and the variant histidine residue is reference in many mammalian species indicating that the change is tolerated with respect to protein function. To our knowledge, functional studies have not been reported for this variant. This variant has not been reported in individuals affected with hereditary cancer in the literature. This variant has been identified in 6/251288 chromosomes in the general population by the Genome Aggregation Database (gnomAD). The available evidence is insufficient to determine the role of this variant in disease conclusively. Therefore, this variant is classified as a Variant of Uncertain Significance.

This study involves interpretation of variants in research participants for the purpose of population health screening. Participant phenotype was not available at the time of variant classification. Additional details can be found in publication PMID: 35346344, PMCID: PMC8962531

Quest Diagnostics Nichols Institute San Juan Capistrano
Classification: Uncertain significance. Last evaluated: 2023-06-09. Review status: criteria provided, single submitter. Criteria: Quest Diagnostics criteria. Collection method: clinical testing. Allele origin: unknown.
Comment: To the best of our knowledge, this variant has not been reported in the published literature. The frequency of this variant in the general population, 0.00017 (6/34592 chromosomes in Latino/Admixed American subpopulation (Genome Aggregation Database)), is higher than would generally be expected for pathogenic variants in this gene. Analysis of this variant using bioinformatics tools for the prediction of the effect of amino acid changes on protein structure and function yielded predictions that this variant is benign. Based on the available information, we are unable to determine the clinical significance of this variant.

Myriad Genetics, Inc.
Classification: Uncertain significance for Juvenile polyposis syndrome. Last evaluated: 2023-03-02. Review status: criteria provided, single submitter. Criteria: Myriad Autosomal Dominant, Autosomal Recessive and X-Linked Classification Criteria (2023). Collection method: clinical testing. Allele origin: unknown.
Comment: This variant is classified as a variant of uncertain significance as there is insufficient evidence to determine its impact on protein function and/or cancer risk.

Sema4
Classification: Likely benign for Hereditary cancer-predisposing syndrome. Last evaluated: 2021-06-14. Review status: criteria provided, single submitter. Criteria: Sema4 Curation Guidelines. Collection method: curation. Allele origin: germline.

Ambry Genetics
Classification: Likely benign for Hereditary cancer-predisposing syndrome. Last evaluated: 2018-10-30. Review status: criteria provided, single submitter. Criteria: Ambry Variant Classification Scheme 2023. Collection method: clinical testing. Allele origin: germline.

Counsyl
Classification: Uncertain significance for Juvenile polyposis syndrome. Last evaluated: 2016-08-25. Review status: no assertion criteria provided. Collection method: clinical testing. Allele origin: unknown. Not counted in ClinVar's aggregate classification.

Literature cited by the submitters: PubMed 36243179 (cited by Women's Health and Genetics/Laboratory Corporation of America, LabCorp).

NM_004329.3(BMPR1A):c.59G>A (p.Arg20His)

Gene: BMPR1A (bone morphogenetic protein receptor type 1A; plus strand). Cytogenetic location: 10q23.2.
Variant type: single nucleotide variant.
Coding change: c.59G>A on transcript NM_004329.3 (MANE Select); coding-DNA position 59, G replaced by A.
Protein change: p.Arg20His; replaces arginine 20 with histidine.
Molecular consequence: missense variant.
Genome position (GRCh38, 1-based): chr10:86,876,077, G>A. VCF-style: chr10-86876077-G-A. GRCh37 (hg19) VCF-style: chr10-88635834-G-A.
Other names: short protein forms R20H.
Identifiers: ClinVar variation 220321 (VCV000220321.33), dbSNP rs759014147, ClinGen allele CA348993.